The following is an entry in ClinVar:

NM_004629.2(FANCG):c.52G>A (p.Glu18Lys)

Gene: FANCG (FA complementation group G; minus strand). Cytogenetic location: 9p13.3.
Variant type: single nucleotide variant.
Coding change: c.52G>A on transcript NM_004629.2 (MANE Select); coding-DNA position 52, G replaced by A.
Protein change: p.Glu18Lys; replaces glutamic acid 18 with lysine.
Molecular consequence: missense variant.
Genome position (GRCh38, 1-based): chr9:35,079,473, C>T on the plus strand (G>A on the coding strand, the complement: FANCG is on the minus strand). VCF-style: chr9-35079473-C-T. GRCh37 (hg19) VCF-style: chr9-35079470-C-T.
Other names: short protein forms E18K.
Identifiers: ClinVar variation 842971 (VCV000842971.8), dbSNP rs1829144761, ClinGen allele CA373315962.

ClinVar aggregate classification (germline): Uncertain significance (1 of 4 stars; one submission).

Conditions:
Fanconi anemia (FA). Also called: Fanconi's anemia. Identifiers: Orphanet 84, MedGen C0015625, MeSH D005199, MONDO:0019391.

Submission:

Labcorp Genetics (formerly Invitae), Labcorp
Classification: Uncertain significance for Fanconi anemia. Last evaluated: 2025-12-15. Review status: criteria provided, single submitter. Criteria: Invitae Variant Classification Sherloc (09022015). Collection method: clinical testing. Allele origin: germline.
Comment: This sequence change replaces glutamic acid, which is acidic and polar, with lysine, which is basic and polar, at codon 18 of the FANCG protein (p.Glu18Lys). This variant is not present in population databases (gnomAD no frequency). This variant has not been reported in the literature in individuals affected with FANCG-related conditions. ClinVar contains an entry for this variant (Variation ID: 842971). Invitae Evidence Modeling of protein sequence and biophysical properties (such as structural, functional, and spatial information, amino acid conservation, physicochemical variation, residue mobility, and thermodynamic stability) indicates that this missense variant is not expected to disrupt FANCG protein function with a negative predictive value of 80%. In summary, the available evidence is currently insufficient to determine the role of this variant in disease. Therefore, it has been classified as a Variant of Uncertain Significance.